The following is an entry in ClinVar:

ClinVar aggregate classification (germline): Conflicting classifications of pathogenicity. Review status: criteria provided, conflicting classifications (1 of 4 stars). 2 submissions from 2 submitters: Uncertain significance (1); Likely benign (1). Last evaluated 2025-01-13.

Conditions:
Hereditary cancer-predisposing syndrome. Also called: Hereditary neoplastic syndrome; Neoplastic Syndromes, Hereditary; Hereditary Cancer Syndrome; Tumor predisposition. Identifiers: Orphanet 140162, MedGen C0027672, MeSH D009386, MONDO:0015356.
Familial melanoma. Also called: Hereditary melanoma; Hereditary cutaneous melanoma. Identifiers: Orphanet 618, MedGen C1512419, MONDO:0018961.

gnomAD v4.1: 1 of 1,612,492 alleles (0.000062%); highest among the groups gnomAD compares: Non-Finnish European, 0.000085%; no homozygotes.

Submissions (2):

Ambry Genetics
Classification: Likely benign for Hereditary cancer-predisposing syndrome. Last evaluated: 2025-01-13. Review status: criteria provided, single submitter. Criteria: Ambry Variant Classification Scheme 2023. Collection method: clinical testing. Allele origin: germline.

Labcorp Genetics (formerly Invitae), Labcorp
Classification: Uncertain significance for Familial melanoma. Last evaluated: 2024-05-01. Review status: criteria provided, single submitter. Criteria: Invitae Variant Classification Sherloc (09022015). Collection method: clinical testing. Allele origin: germline.
Comment: This sequence change replaces aspartic acid, which is acidic and polar, with asparagine, which is neutral and polar, at codon 146 of the CDKN2A (p16INK4a) protein (p.Asp146Asn). This variant is not present in population databases (gnomAD no frequency). This variant has not been reported in the literature in individuals affected with CDKN2A (p16INK4a)-related conditions. ClinVar contains an entry for this variant (Variation ID: 578446). Algorithms developed to predict the effect of missense changes on protein structure and function output the following: SIFT: "Not Available"; PolyPhen-2: "Benign"; Align-GVGD: "Not Available". The asparagine amino acid residue is found in multiple mammalian species, which suggests that this missense change does not adversely affect protein function. In summary, the available evidence is currently insufficient to determine the role of this variant in disease. Therefore, it has been classified as a Variant of Uncertain Significance.

NM_000077.5(CDKN2A):c.436G>A (p.Asp146Asn)

Gene: CDKN2A (cyclin dependent kinase inhibitor 2A; minus strand). Cytogenetic location: 9p21.3.
Variant type: single nucleotide variant.
Coding change: c.436G>A on transcript NM_000077.5; coding-DNA position 436, G replaced by A.
Protein change: p.Asp146Asn; replaces aspartic acid 146 with asparagine.
Molecular consequence: missense variant (on NM_000077.6). On other transcripts: 3 prime UTR variant (2).
Genome position (GRCh38, 1-based): chr9:21,970,923, C>T on the plus strand (G>A on the coding strand, the complement: CDKN2A is on the minus strand). VCF-style: chr9-21970923-C-T. GRCh37 (hg19) VCF-style: chr9-21970922-C-T.
Other names: c.436G>A, p.Asp146Asn (NM_000077.6, NM_001195132.2); c.283G>A, p.Asp95Asn (NM_001363763.2); c.*80G>A (NM_058195.4); c.*359G>A (NM_058197.5); short protein forms D146N, D95N.
Identifiers: ClinVar variation 578446 (VCV000578446.11), dbSNP rs1563888589, ClinGen allele CA373085847.